The following is an entry in ClinVar:

NM_001430.5(EPAS1):c.1115G>C (p.Ser372Thr)

Gene: EPAS1 (endothelial PAS domain protein 1; plus strand). Cytogenetic location: 2p21.
Variant type: single nucleotide variant.
Coding change: c.1115G>C on transcript NM_001430.5 (MANE Select); coding-DNA position 1115, G replaced by C.
Protein change: p.Ser372Thr; replaces serine 372 with threonine.
Molecular consequence: missense variant.
Genome position (GRCh38, 1-based): chr2:46,376,619, G>C. VCF-style: chr2-46376619-G-C. GRCh37 (hg19) VCF-style: chr2-46603758-G-C.
Other names: short protein forms S372T.
Identifiers: ClinVar variation 2588534 (VCV002588534.2), dbSNP rs747694540, ClinGen allele CA1644890.

ClinVar aggregate classification (germline): Uncertain significance (1 of 4 stars; one submission).

Conditions:
Inborn genetic diseases. Identifiers: MedGen C0950123, MeSH D030342.

Allele frequency attached by ClinVar (database versions not stated): TOPMed below 0.00001; ExAC 0.00001.
gnomAD v4.1: 13 of 1,614,192 alleles (0.00081%); highest among the groups gnomAD compares: African/African-American, 0.0013%; no homozygotes.

Submission:

Ambry Genetics
Classification: Uncertain significance for Inborn genetic diseases. Last evaluated: 2023-07-23. Review status: criteria provided, single submitter. Criteria: Ambry Variant Classification Scheme 2023. Collection method: clinical testing. Allele origin: germline.
Comment: The p.S372T variant (also known as c.1115G>C), located in coding exon 9 of the EPAS1 gene, results from a G to C substitution at nucleotide position 1115. The serine at codon 372 is replaced by threonine, an amino acid with similar properties. This amino acid position is conserved. In addition, this alteration is predicted to be tolerated by in silico analysis. Since supporting evidence is limited at this time, the clinical significance of this alteration remains unclear.